The following is an entry in ClinVar:

NM_016938.5(EFEMP2):c.1182C>T (p.Asn394=)

Genes: MUS81 (MUS81 structure-specific endonuclease subunit; plus strand), EFEMP2 (EGF-like fibulin extracellular matrix protein 2; minus strand). Cytogenetic location: 11q13.1.
Variant type: single nucleotide variant.
Coding change: c.1182C>T on transcript NM_016938.5 (MANE Select); coding-DNA position 1182, C replaced by T.
Protein change: p.Asn394=; no amino-acid change (asparagine 394 retained).
Molecular consequence: synonymous variant. On other transcripts: non-coding transcript variant (1).
Genome position (GRCh38, 1-based): chr11:65,867,068, G>A on the plus strand (C>T on the coding strand, the complement: EFEMP2 is on the minus strand). VCF-style: chr11-65867068-G-A. GRCh37 (hg19) VCF-style: chr11-65634539-G-A.
Identifiers: ClinVar variation 507642 (VCV000507642.6), dbSNP rs1466076983, ClinGen allele CA475315733.

ClinVar aggregate classification (germline): Likely benign. Review status: criteria provided, multiple submitters, no conflicts (2 of 4 stars). 3 submissions from 3 submitters: Likely benign (3). Last evaluated 2026-01-06.

Conditions:
Cutis laxa, autosomal recessive, type 1B (ARCL1B). Also called: CUTIS LAXA, AUTOSOMAL RECESSIVE, TYPE IB; EFEMP2-Related Cutis Laxa. Identifiers: Orphanet 90349, MedGen C3280798, MONDO:0013754, OMIM 614437. Disease mechanism: loss of function.
Cardiovascular phenotype. Identifiers: MedGen CN230736.

Allele frequency attached by ClinVar (database versions not stated): gnomAD exomes below 0.00001; TOPMed 0.00001; gnomAD 0.00003 and 0.00004.
gnomAD v4.1: 13 of 1,613,978 alleles (0.00081%); highest among the groups gnomAD compares: Non-Finnish European, 0.001%; no homozygotes.

Submissions (3):

Labcorp Genetics (formerly Invitae), Labcorp
Classification: Likely benign for Cutis laxa, autosomal recessive, type 1B. Last evaluated: 2026-01-06. Review status: criteria provided, single submitter. Criteria: Invitae Variant Classification Sherloc (09022015). Collection method: clinical testing. Allele origin: germline.

Ambry Genetics
Classification: Likely benign for Cardiovascular phenotype. Last evaluated: 2021-02-14. Review status: criteria provided, single submitter. Criteria: Ambry Variant Classification Scheme 2023. Collection method: clinical testing. Allele origin: germline.

GeneDx
Classification: Likely benign. Last evaluated: 2017-02-27. Review status: criteria provided, single submitter. Criteria: GeneDx Variant Classification (06012015). Collection method: clinical testing. Allele origin: germline. Affected: yes.
Comment: This variant is considered likely benign or benign based on one or more of the following criteria: it is a conservative change, it occurs at a poorly conserved position in the protein, it is predicted to be benign by multiple in silico algorithms, and/or has population frequency not consistent with disease.